The following is an entry in ClinVar:

NM_001375808.2(LPIN2):c.1046C>G (p.Pro349Arg)

Gene: LPIN2 (lipin 2; minus strand). Cytogenetic location: 18p11.31.
Variant type: single nucleotide variant.
Coding change: c.1046C>G on transcript NM_001375808.2 (MANE Select); coding-DNA position 1046, C replaced by G.
Protein change: p.Pro349Arg; replaces proline 349 with arginine.
Molecular consequence: missense variant.
Genome position (GRCh38, 1-based): chr18:2,937,814, G>C on the plus strand (C>G on the coding strand, the complement: LPIN2 is on the minus strand). VCF-style: chr18-2937814-G-C. GRCh37 (hg19) VCF-style: chr18-2937812-G-C.
Other names: c.1046C>G, p.Pro349Arg (NM_001375809.1, NM_014646.2); short protein forms P349R.
Identifiers: ClinVar variation 618704 (VCV000618704.10), dbSNP rs778825863, ClinGen allele CA8873226.

ClinVar aggregate classification (germline): Uncertain significance. Review status: criteria provided, multiple submitters, no conflicts (2 of 4 stars). 2 submissions from 2 submitters: Uncertain significance (2). Last evaluated 2024-08-07.

Conditions:
Majeed syndrome (MJDS). Also called: LPIN2-Related Majeed Syndrome; CHRONIC RECURRENT MULTIFOCAL OSTEOMYELITIS 1, WITH CONGENITAL DYSERYTHROPOIETIC ANEMIA, WITH OR WITHOUT NEUTROPHILIC DERMATOSIS. Identifiers: Orphanet 77297, MedGen C1864997, MONDO:0012316, OMIM 609628.

Allele frequency attached by ClinVar (database versions not stated): ExAC 0.00001.
gnomAD v4.1: 2 of 1,614,132 alleles (0.00012%); highest among the groups gnomAD compares: Admixed American, 0.0033%; no homozygotes.

Submissions (2):

Revvity Omics, Revvity
Classification: Uncertain significance for Majeed syndrome. Last evaluated: 2024-08-07. Review status: criteria provided, single submitter. Criteria: ACMG Guidelines, 2015. Collection method: clinical testing. Allele origin: germline.

ARUP Laboratories, Molecular Genetics and Genomics, ARUP Laboratories
Classification: Uncertain significance. Last evaluated: 2018-01-04. Review status: criteria provided, single submitter. Criteria: ARUP Molecular Germline Variant Investigation Process. Collection method: clinical testing. Allele origin: germline.
Comment: The LPIN2 c.1046C>G; p.Pro349Arg variant is not described in the medical literature, in gene-specific databases, or in the ClinVar database. The variant is listed in the dbSNP variant database (rs778825863) and in the Genome Aggregation Database in 2/246224 alleles. The proline at this position is not well conserved across species and computational algorithms (AlignGVGD, SIFT, PolyPhen2). Considering available information, there is insufficient evidence to classify this variant with certainty. Pathogenic LPIN2 variants are causative for autosomal recessive Majeed syndrome (MIM#609628).